The following is an entry in ClinVar:

ClinVar aggregate classification (germline): Uncertain significance (1 of 4 stars; one submission).

gnomAD v4.1: 2 of 1,614,036 alleles (0.00012%); highest among the groups gnomAD compares: African/African-American, 0.0013%; no homozygotes.

Submission:

Labcorp Genetics (formerly Invitae), Labcorp
Classification: Uncertain significance. Last evaluated: 2024-10-30. Review status: criteria provided, single submitter. Criteria: Invitae Variant Classification Sherloc (09022015). Collection method: clinical testing. Allele origin: germline.
Comment: This sequence change replaces glutamine, which is neutral and polar, with glutamic acid, which is acidic and polar, at codon 1173 of the EGF protein (p.Gln1173Glu). This variant is not present in population databases (gnomAD no frequency). This variant has not been reported in the literature in individuals affected with EGF-related conditions. An algorithm developed to predict the effect of missense changes on protein structure and function (PolyPhen-2) suggests that this variant is likely to be tolerated. In summary, the available evidence is currently insufficient to determine the role of this variant in disease. Therefore, it has been classified as a Variant of Uncertain Significance.

NM_001963.6(EGF):c.3517C>G (p.Gln1173Glu)

Gene: EGF (epidermal growth factor; plus strand). Cytogenetic location: 4q25.
Variant type: single nucleotide variant.
Coding change: c.3517C>G on transcript NM_001963.6 (MANE Select); coding-DNA position 3517, C replaced by G.
Protein change: p.Gln1173Glu; replaces glutamine 1173 with glutamic acid.
Molecular consequence: missense variant. On other transcripts: 3 prime UTR variant (1).
Genome position (GRCh38, 1-based): chr4:110,011,348, C>G. VCF-style: chr4-110011348-C-G. GRCh37 (hg19) VCF-style: chr4-110932504-C-G.
Other names: c.3394C>G, p.Gln1132Glu (NM_001178130.3); c.3391C>G, p.Gln1131Glu (NM_001178131.3); c.*36C>G (NM_001357021.2); short protein forms Q1173E, Q1131E, Q1132E.
Identifiers: ClinVar variation 3697504 (VCV003697504.2).